The following is an entry in ClinVar:

ClinVar aggregate classification (germline): Pathogenic (1 of 4 stars; one submission).

Conditions:
Joubert syndrome. Also called: CEREBELLOPARENCHYMAL DISORDER IV; JOUBERT-BOLTSHAUSER SYNDROME; Familial aplasia of the vermis. Identifiers: Orphanet 475, MedGen C5979921, MONDO:0018772.
Meckel-Gruber syndrome. Also called: DYSENCEPHALIA SPLANCHNOCYSTICA; GRUBER SYNDROME; Dysencephalia splachnocystica. Identifiers: Orphanet 564, MedGen C0265215, MONDO:0018921.

Submission:

Labcorp Genetics (formerly Invitae), Labcorp
Classification: Pathogenic for Joubert syndrome; Meckel-Gruber syndrome. Last evaluated: 2022-04-03. Review status: criteria provided, single submitter. Criteria: Invitae Variant Classification Sherloc (09022015). Collection method: clinical testing. Allele origin: germline.
Comment: This variant is a gross deletion of the genomic region encompassing exon(s) 9 of the RPGRIP1L gene. This deletion is out-of-frame, and is expected to create a premature termination codon and result in an absent or disrupted protein product. Loss-of-function variants in RPGRIP1L are known to be pathogenic (PMID: 17558409). For these reasons, this variant has been classified as Pathogenic. This variant has not been reported in the literature in individuals affected with RPGRIP1L-related conditions.

Literature cited by the submitters: PubMed 17558409.

NC_000016.9:g.(?_53705412)_(53705505_?)del

Gene: RPGRIP1L (RPGRIP1 like; minus strand). Cytogenetic location: 16q12.2.
Variant type: Deletion.
Identifiers: ClinVar variation 2426114 (VCV002426114.6).